The following is an entry in ClinVar:

NM_033064.4(ATCAY):c.-398C>A

Gene: ATCAY (ATCAY kinesin light chain interacting caytaxin; plus strand). Cytogenetic location: 19p13.3.
Variant type: single nucleotide variant.
Coding change: c.-398C>A on transcript NM_033064.4; 398 bases upstream of the start codon, C replaced by A.
Genome position (GRCh38, 1-based): chr19:3,880,652, C>A. VCF-style: chr19-3880652-C-A. GRCh37 (hg19) VCF-style: chr19-3880650-C-A.
Identifiers: ClinVar variation 328980 (VCV000328980.7), dbSNP rs186140929, ClinGen allele CA10648662.

ClinVar aggregate classification (germline): Likely benign (1 of 4 stars; one submission).

Conditions:
Cayman type cerebellar ataxia. Also called: Cayman ataxia. Identifiers: Orphanet 94122, MedGen C1832585, MONDO:0011025, OMIM 601238.

Allele frequency attached by ClinVar (database versions not stated): TOPMed 0.00082; gnomAD 0.00039; 1000 Genomes Project 30x 0.00297; 1000 Genomes Project 0.00300.

Submission:

Illumina Laboratory Services, Illumina
Classification: Likely benign for Cayman type cerebellar ataxia. Last evaluated: 2018-01-12. Review status: criteria provided, single submitter. Criteria: ICSL Variant Classification Criteria 13 December 2019. Collection method: clinical testing. Allele origin: germline.
Comment: This variant was observed in the ICSL laboratory as part of a predisposition screen in an ostensibly healthy population. It had not been previously curated by ICSL or reported in the Human Gene Mutation Database (HGMD: prior to June 1st, 2018), and was therefore a candidate for classification through an automated scoring system. Utilizing variant allele frequency, disease prevalence and penetrance estimates, and inheritance mode, an automated score was calculated to assess if this variant is too frequent to cause the disease. Based on the score and internal cut-off values, a variant classified as likely benign is not then subjected to further curation. The score for this variant resulted in a classification of likely benign for this disease.